The following is an entry in ClinVar:

NM_000238.4(KCNH2):c.638A>G (p.Asp213Gly)

Gene: KCNH2 (potassium voltage-gated channel subfamily H member 2; minus strand). Cytogenetic location: 7q36.1.
Variant type: single nucleotide variant.
Coding change: c.638A>G on transcript NM_000238.4 (MANE Select); coding-DNA position 638, A replaced by G.
Protein change: p.Asp213Gly; replaces aspartic acid 213 with glycine.
Molecular consequence: missense variant.
Genome position (GRCh38, 1-based): chr7:150,958,337, T>C on the plus strand (A>G on the coding strand, the complement: KCNH2 is on the minus strand). VCF-style: chr7-150958337-T-C. GRCh37 (hg19) VCF-style: chr7-150655425-T-C.
Other names: c.350A>G, p.Asp117Gly (NM_001406753.1, NM_001406756.1); c.461A>G, p.Asp154Gly (NM_001406755.1); c.338A>G, p.Asp113Gly (NM_001406757.1); c.638A>G, p.Asp213Gly (NM_172056.3); short protein forms D213G, D113G, D154G, D117G.
Identifiers: ClinVar variation 971664 (VCV000971664.11), dbSNP rs531677961, ClinGen allele CA040150.
Genomic context (GRCh38, chr7:150,958,337, plus strand): 5'-GCACGCCGCTCCTCCGCGGGCCCGAGCCCTGCCACGTGGTTGTCCATGGCTGTCACTTCG[T>C]CCAGGGCCAGCGACTCGCTGCTGGGTGCCGCGGGCGTCAGGTCCACGTCCACCACCACGG-3'
Protein context (NP_000229.1, residues 203-223): AAPSSESLAL[Asp213Gly]EVTAMDNHVA

ClinVar aggregate classification (germline): Conflicting classifications of pathogenicity. Review status: criteria provided, conflicting classifications (1 of 4 stars). 2 submissions from 2 submitters: Uncertain significance (1); Benign (1). Last evaluated 2025-03-04.

Conditions:
Long QT syndrome (LQTS). Identifiers: MedGen C0023976, MeSH D008133, MONDO:0002442. Disease mechanism: loss of function. Inheritance: Various modes of inheritance.
Cardiovascular phenotype. Identifiers: MedGen CN230736.

Allele frequency attached by ClinVar (database versions not stated): gnomAD below 0.00001 and 0.00001; gnomAD exomes 0.00004 and 0.00011; 1000 Genomes Project 30x 0.00016; 1000 Genomes Project 0.00020; ExAC 0.00024.
gnomAD v4.1: 51 of 1,490,860 alleles (0.0034%); highest among the groups gnomAD compares: South Asian, 0.062%; 1 homozygote.

Submissions (2):

Ambry Genetics
Classification: Benign for Cardiovascular phenotype. Last evaluated: 2025-03-04. Review status: criteria provided, single submitter. Criteria: Ambry Variant Classification Scheme 2023. Collection method: clinical testing. Allele origin: germline.

Labcorp Genetics (formerly Invitae), Labcorp
Classification: Uncertain significance for Long QT syndrome. Last evaluated: 2025-02-24. Review status: criteria provided, single submitter. Criteria: Invitae Variant Classification Sherloc (09022015). Collection method: clinical testing. Allele origin: germline.
Comment: This sequence change replaces aspartic acid, which is acidic and polar, with glycine, which is neutral and non-polar, at codon 213 of the KCNH2 protein (p.Asp213Gly). This variant is present in population databases (rs531677961, gnomAD 0.06%), and has an allele count higher than expected for a pathogenic variant. This missense change has been observed in individual(s) with KCNH2-related conditions (PMID: 37589201). ClinVar contains an entry for this variant (Variation ID: 971664). An algorithm developed to predict the effect of missense changes on protein structure and function (PolyPhen-2) suggests that this variant is likely to be tolerated. In summary, the available evidence is currently insufficient to determine the role of this variant in disease. Therefore, it has been classified as a Variant of Uncertain Significance.

Literature cited by the submitters: PubMed 23098067 (cited by Ambry Genetics); PubMed 37589201 (cited by Ambry Genetics and Labcorp Genetics (formerly Invitae), Labcorp).